The following is an entry in ClinVar:

ClinVar aggregate classification (germline): Likely pathogenic (1 of 4 stars; one submission).

Submission:

Labcorp Genetics (formerly Invitae), Labcorp
Classification: Likely pathogenic. Last evaluated: 2021-11-14. Review status: criteria provided, single submitter. Criteria: Invitae Variant Classification Sherloc (09022015). Collection method: clinical testing. Allele origin: germline.
Comment: In summary, the currently available evidence indicates that the variant is pathogenic, but additional data are needed to prove that conclusively. Therefore, this variant has been classified as Likely Pathogenic. This variant has not been reported in the literature in individuals affected with PHEX-related conditions. This variant results in a copy number gain of the genomic region encompassing exon(s) 3-9 of the PHEX gene. While the exact position of this variant cannot be determined from the data, sub-genic copy number gains are generally in tandem (PMID: 25640679). This variant is predicted to be out-of-frame, and may result in an absent or disrupted protein product. Loss-of-function variants in PHEX are known to be pathogenic (PMID: 9097956, 9106524, 19219621).

Literature cited by the submitters: PubMed 25640679; PubMed 9097956; PubMed 9106524; PubMed 19219621.

NC_000023.10:g.(?_22065148)_(22117289_?)dup

Gene: PHEX (phosphate regulating endopeptidase X-linked; plus strand). Cytogenetic location: Xp22.11.
Variant type: Duplication.
Identifiers: ClinVar variation 2423111 (VCV002423111.3).